The following is an entry in ClinVar:

ClinVar aggregate classification (germline): Uncertain significance (1 of 4 stars; one submission).

Conditions:
Cutis laxa, X-linked (OHS). Also called: EDS IX; Occipital horn syndrome. Identifiers: Orphanet 198, MedGen C0268353, MONDO:0010572, OMIM 304150.
Menkes kinky-hair syndrome (MNK). Also called: Classic Menkes Disease; Copper transport disease; Menkes Disease. Identifiers: Orphanet 565, MedGen C0022716, MONDO:0010651, OMIM 309400.
X-linked distal spinal muscular atrophy type 3. Also called: NEURONOPATHY, DISTAL HEREDITARY MOTOR, X-LINKED; NEUROPATHY, DISTAL HEREDITARY MOTOR, X-LINKED; ATP7A-Related Distal Motor Neuropathy; SPINAL MUSCULAR ATROPHY, DISTAL, X-LINKED RECESSIVE. Identifiers: Orphanet 139557, MedGen C1845359, MONDO:0010338, OMIM 300489.

Submission:

Labcorp Genetics (formerly Invitae), Labcorp
Classification: Uncertain significance for X-linked distal spinal muscular atrophy type 3; Cutis laxa, X-linked; Menkes kinky-hair syndrome. Last evaluated: 2024-05-06. Review status: criteria provided, single submitter. Criteria: Invitae Variant Classification Sherloc (09022015). Collection method: clinical testing. Allele origin: germline.
Comment: This sequence change replaces valine, which is neutral and non-polar, with isoleucine, which is neutral and non-polar, at codon 1040 of the ATP7A protein (p.Val1040Ile). This variant is not present in population databases (gnomAD no frequency). This variant has not been reported in the literature in individuals affected with ATP7A-related conditions. ClinVar contains an entry for this variant (Variation ID: 1899421). Advanced modeling of protein sequence and biophysical properties (such as structural, functional, and spatial information, amino acid conservation, physicochemical variation, residue mobility, and thermodynamic stability) performed at Invitae indicates that this missense variant is not expected to disrupt ATP7A protein function with a negative predictive value of 95%. In summary, the available evidence is currently insufficient to determine the role of this variant in disease. Therefore, it has been classified as a Variant of Uncertain Significance.

NM_000052.7(ATP7A):c.3118G>A (p.Val1040Ile)

Gene: ATP7A (ATPase copper transporting alpha; plus strand). Cytogenetic location: Xq21.1.
Variant type: single nucleotide variant.
Coding change: c.3118G>A on transcript NM_000052.7 (MANE Select); coding-DNA position 3118, G replaced by A.
Protein change: p.Val1040Ile; replaces valine 1040 with isoleucine.
Molecular consequence: missense variant. On other transcripts: non-coding transcript variant (1).
Genome position (GRCh38, 1-based): chrX:78,031,406, G>A. VCF-style: chrX-78031406-G-A. GRCh37 (hg19) VCF-style: chrX-77286904-G-A.
Other names: c.2884G>A, p.Val962Ile (NM_001282224.2); short protein forms V962I, V1040I.
Identifiers: ClinVar variation 1899421 (VCV001899421.5), dbSNP rs782482837, ClinGen allele CA413603436.